The following is an entry in ClinVar:

NM_000642.3(AGL):c.1679G>A (p.Ser560Asn)

Gene: AGL (amylo-alpha-1,6-glucosidase and 4-alpha-glucanotransferase; plus strand). Cytogenetic location: 1p21.2.
Variant type: single nucleotide variant.
Coding change: c.1679G>A on transcript NM_000642.3 (MANE Select); coding-DNA position 1679, G replaced by A.
Protein change: p.Ser560Asn; replaces serine 560 with asparagine.
Molecular consequence: missense variant.
Genome position (GRCh38, 1-based): chr1:99,879,990, G>A. VCF-style: chr1-99879990-G-A. GRCh37 (hg19) VCF-style: chr1-100345546-G-A.
Other names: c.1679G>A, p.Ser560Asn (NM_000028.3, NM_000643.3, NM_000644.3 and 2 more transcripts); c.1631G>A, p.Ser544Asn (NM_000646.3); c.1478G>A, p.Ser493Asn (NM_001425327.1); c.1475G>A, p.Ser492Asn (NM_001425328.1, NM_001425329.1); c.1301G>A, p.Ser434Asn (NM_001425332.1); short protein forms S560N, S544N, S434N, S492N, S493N.
Identifiers: ClinVar variation 567965 (VCV000567965.9), dbSNP rs1365513585, ClinGen allele CA16622169.

ClinVar aggregate classification (germline): Uncertain significance. Review status: criteria provided, single submitter (1 of 4 stars). 2 submissions from 2 submitters: Uncertain significance (1). 1 of the submissions does not count toward it. Last evaluated 2021-09-01.

Conditions:
Glycogen storage disease type III (GSD3). Also called: FORBES DISEASE; Cori disease. Identifiers: Orphanet 366, MedGen C0017922, MONDO:0009291, OMIM 232400.

Allele frequency attached by ClinVar (database versions not stated): gnomAD 0.00001; gnomAD exomes 0.00001; TOPMed 0.00001.
gnomAD v4.1: 14 of 1,613,648 alleles (0.00087%); highest among the groups gnomAD compares: Non-Finnish European, 0.0012%; no homozygotes.

Submissions (2):

Labcorp Genetics (formerly Invitae), Labcorp
Classification: Uncertain significance for Glycogen storage disease type III. Last evaluated: 2021-09-01. Review status: criteria provided, single submitter. Criteria: Invitae Variant Classification Sherloc (09022015). Collection method: clinical testing. Allele origin: germline.
Comment: This sequence change replaces serine with asparagine at codon 560 of the AGL protein (p.Ser560Asn). The serine residue is moderately conserved and there is a small physicochemical difference between serine and asparagine. This variant is not present in population databases (ExAC no frequency). This variant has not been reported in the literature in individuals affected with AGL-related conditions. Algorithms developed to predict the effect of missense changes on protein structure and function output the following: SIFT: "Tolerated"; PolyPhen-2: "Benign"; Align-GVGD: "Class C0". The asparagine amino acid residue is found in multiple mammalian species, which suggests that this missense change does not adversely affect protein function. In summary, the available evidence is currently insufficient to determine the role of this variant in disease. Therefore, it has been classified as a Variant of Uncertain Significance.

Natera, Inc.
Classification: Uncertain significance for Glycogen storage disease type III. Last evaluated: 2020-09-16. Review status: no assertion criteria provided. Collection method: clinical testing. Allele origin: germline. Not counted in ClinVar's aggregate classification.